The following is an entry in ClinVar:

NM_001330691.3(CEP78):c.1736C>G (p.Ala579Gly)

Gene: CEP78 (centrosomal protein 78; plus strand). Cytogenetic location: 9q21.2.
Variant type: single nucleotide variant.
Coding change: c.1736C>G on transcript NM_001330691.3 (MANE Select); coding-DNA position 1736, C replaced by G.
Protein change: p.Ala579Gly; replaces alanine 579 with glycine.
Molecular consequence: missense variant.
Genome position (GRCh38, 1-based): chr9:78,265,482, C>G. VCF-style: chr9-78265482-C-G. GRCh37 (hg19) VCF-style: chr9-80880398-C-G.
Other names: c.1739C>G, p.Ala580Gly (NM_001098802.3, NM_001349839.2, NM_001349840.2 and 1 more transcripts); c.1736C>G, p.Ala579Gly (NM_001330693.3, NM_001330694.2, NM_001349838.2); short protein forms A579G, A580G.
Identifiers: ClinVar variation 1956506 (VCV001956506.2), dbSNP rs747976954, ClinGen allele CA373866287.
Genomic context (GRCh38, chr9:78,265,482, plus strand): 5'-TACTAGGTCATCCCCAGATGACTTCTACTGTTAGTAATCCACCTAAAGAAGAAAAGAAGG[C>G]GCTTGAAGATGAAAAACCAGAACCGAAGCAGAATGCCCTAGGGCAAATGCAAAATATCCA-3'
Protein context (NP_001317620.1, residues 569-589): VSNPPKEEKK[Ala579Gly]LEDEKPEPKQ

ClinVar aggregate classification (germline): Uncertain significance (1 of 4 stars; one submission).

gnomAD v4.1: 2 of 1,589,364 alleles (0.00013%); highest among the groups gnomAD compares: Middle Eastern, 0.033%; no homozygotes.

Submission:

Labcorp Genetics (formerly Invitae), Labcorp
Classification: Uncertain significance. Last evaluated: 2022-08-19. Review status: criteria provided, single submitter. Criteria: Invitae Variant Classification Sherloc (09022015). Collection method: clinical testing. Allele origin: germline.
Comment: This sequence change replaces alanine, which is neutral and non-polar, with glycine, which is neutral and non-polar, at codon 580 of the CEP78 protein (p.Ala580Gly). This variant is not present in population databases (gnomAD no frequency). This variant has not been reported in the literature in individuals affected with CEP78-related conditions. Algorithms developed to predict the effect of missense changes on protein structure and function output the following: SIFT: "Tolerated"; PolyPhen-2: "Benign"; Align-GVGD: "Class C0". The glycine amino acid residue is found in multiple mammalian species, which suggests that this missense change does not adversely affect protein function. In summary, the available evidence is currently insufficient to determine the role of this variant in disease. Therefore, it has been classified as a Variant of Uncertain Significance.